The following is an entry in ClinVar:

NM_014014.5(SNRNP200):c.4392G>T (p.Gly1464=)

Gene: SNRNP200 (small nuclear ribonucleoprotein U5 subunit 200; minus strand). Cytogenetic location: 2q11.2.
Variant type: single nucleotide variant.
Coding change: c.4392G>T on transcript NM_014014.5 (MANE Select); coding-DNA position 4392, G replaced by T.
Protein change: p.Gly1464=; no amino-acid change (glycine 1464 retained).
Molecular consequence: synonymous variant.
Genome position (GRCh38, 1-based): chr2:96,284,358, C>A on the plus strand (G>T on the coding strand, the complement: SNRNP200 is on the minus strand). VCF-style: chr2-96284358-C-A. GRCh37 (hg19) VCF-style: chr2-96950096-C-A.
Identifiers: ClinVar variation 1392723 (VCV001392723.6), dbSNP rs2063828192, ClinGen allele CA427495208.
Genomic context (GRCh38, chr2:96,284,358, plus strand): 5'-AATGCCAAGGCCACTTGGTCAGTCCCAGTCCCTCATCTGTGCTGCAAGGTCACGCCATAC[C>A]CCATTCTCGCCCCCGATAAGGTGGACCTCATCCACCACGAAGAGGTTGATGTTCTGCACG-3'
Protein context (NP_054733.2, residues 1454-1474): DEVHLIGGEN[Gly1464=]PVLEVICSRM

ClinVar aggregate classification (germline): Uncertain significance (1 of 4 stars; one submission).

Submission:

Labcorp Genetics (formerly Invitae), Labcorp
Classification: Uncertain significance. Last evaluated: 2021-11-12. Review status: criteria provided, single submitter. Criteria: Invitae Variant Classification Sherloc (09022015). Collection method: clinical testing. Allele origin: germline.
Comment: Variants that disrupt the consensus splice site are a relatively common cause of aberrant splicing (PMID: 17576681, 9536098). Algorithms developed to predict the effect of sequence changes on RNA splicing suggest that this variant may disrupt the consensus splice site. This sequence change affects codon 1464 of the SNRNP200 mRNA. It is a 'silent' change, meaning that it does not change the encoded amino acid sequence of the SNRNP200 protein. This variant also falls at the last nucleotide of exon 31, which is part of the consensus splice site for this exon. This variant is not present in population databases (gnomAD no frequency). This variant has not been reported in the literature in individuals affected with SNRNP200-related conditions. In summary, the available evidence is currently insufficient to determine the role of this variant in disease. Therefore, it has been classified as a Variant of Uncertain Significance.

Literature cited by the submitters: PubMed 17576681; PubMed 9536098.